The following is an entry in ClinVar:

NM_000264.5(PTCH1):c.3936G>T (p.Trp1312Cys)

Gene: PTCH1 (patched 1; minus strand). Cytogenetic location: 9q22.32.
Variant type: single nucleotide variant.
Coding change: c.3936G>T on transcript NM_000264.5 (MANE Select); coding-DNA position 3936, G replaced by T.
Protein change: p.Trp1312Cys; replaces tryptophan 1312 with cysteine.
Molecular consequence: missense variant. On other transcripts: non-coding transcript variant (1).
Genome position (GRCh38, 1-based): chr9:95,447,320, C>A on the plus strand (G>T on the coding strand, the complement: PTCH1 is on the minus strand). VCF-style: chr9-95447320-C-A. GRCh37 (hg19) VCF-style: chr9-98209602-C-A.
Other names: c.3738G>T, p.Trp1246Cys (NM_001083602.3); c.3933G>T, p.Trp1311Cys (NM_001083603.3); c.3483G>T, p.Trp1161Cys (NM_001083604.3, NM_001083605.3, NM_001083606.3 and 1 more transcripts); c.3780G>T, p.Trp1260Cys (NM_001354918.2); short protein forms W1246C, W1260C, W1312C, W1161C, W1311C.
Identifiers: ClinVar variation 943202 (VCV000943202.13), dbSNP rs1360926879, ClinGen allele CA374110631.

ClinVar aggregate classification (germline): Conflicting classifications of pathogenicity. Review status: criteria provided, conflicting classifications (1 of 4 stars). 2 submissions from 2 submitters: Uncertain significance (1); Benign (1). Last evaluated 2025-07-17.

Conditions:
Hereditary cancer-predisposing syndrome. Also called: Neoplastic Syndromes, Hereditary; Hereditary neoplastic syndrome; Hereditary Cancer Syndrome; Tumor predisposition. Identifiers: Orphanet 140162, MedGen C0027672, MeSH D009386, MONDO:0015356.
Gorlin syndrome. Also called: Nevoid Basal Cell Carcinoma Syndrome; Basal cell nevus syndrome. Identifiers: Orphanet 377, MedGen C0004779, MONDO:0007187.

Allele frequency attached by ClinVar (database versions not stated): gnomAD exomes below 0.00001; TOPMed below 0.00001.
gnomAD v4.1: 1 of 1,613,286 alleles (0.000062%); highest among the groups gnomAD compares: African/African-American, 0.0013%; no homozygotes.

Submissions (2):

Labcorp Genetics (formerly Invitae), Labcorp
Classification: Benign for Gorlin syndrome. Last evaluated: 2025-07-17. Review status: criteria provided, single submitter. Criteria: Invitae Variant Classification Sherloc (09022015). Collection method: clinical testing. Allele origin: germline.

Ambry Genetics
Classification: Uncertain significance for Hereditary cancer-predisposing syndrome. Last evaluated: 2025-05-18. Review status: criteria provided, single submitter. Criteria: Ambry Variant Classification Scheme 2023. Collection method: clinical testing. Allele origin: germline.
Comment: The p.W1312C variant (also known as c.3936G>T), located in coding exon 23 of the PTCH1 gene, results from a G to T substitution at nucleotide position 3936. The tryptophan at codon 1312 is replaced by cysteine, an amino acid with highly dissimilar properties. This amino acid position is conserved. In addition, this alteration is predicted to be tolerated by in silico analysis. Since supporting evidence is limited at this time, the clinical significance of this alteration remains unclear.